The following is an entry in ClinVar:

ClinVar aggregate classification (germline): Uncertain significance (1 of 4 stars; one submission).

Submission:

Labcorp Genetics (formerly Invitae), Labcorp
Classification: Uncertain significance. Last evaluated: 2019-04-01. Review status: criteria provided, single submitter. Criteria: Invitae Variant Classification Sherloc (09022015). Collection method: clinical testing. Allele origin: germline.
Comment: This variant is not present in population databases (ExAC no frequency). This variant has not been reported in the literature in individuals with CTNNA1-related conditions. Algorithms developed to predict the effect of missense changes on protein structure and function are either unavailable or do not agree on the potential impact of this missense change (SIFT: "Deleterious"; PolyPhen-2: "Benign"; Align-GVGD: "Class C0"). In summary, the available evidence is currently insufficient to determine the role of this variant in disease. Therefore, it has been classified as a Variant of Uncertain Significance. This sequence change replaces valine with isoleucine at codon 252 of the CTNNA1 protein (p.Val252Ile). The valine residue is highly conserved and there is a small physicochemical difference between valine and isoleucine.

NM_001903.5(CTNNA1):c.754G>A (p.Val252Ile)

Gene: CTNNA1 (catenin alpha 1; plus strand). Cytogenetic location: 5q31.2.
Variant type: single nucleotide variant.
Coding change: c.754G>A on transcript NM_001903.5 (MANE Select); coding-DNA position 754, G replaced by A.
Protein change: p.Val252Ile; replaces valine 252 with isoleucine.
Molecular consequence: missense variant.
Genome position (GRCh38, 1-based): chr5:138,824,695, G>A. VCF-style: chr5-138824695-G-A. GRCh37 (hg19) VCF-style: chr5-138160384-G-A.
Other names: c.754G>A, p.Val252Ile (NM_001290307.3, NM_001323982.2, NM_001323983.1 and 3 more transcripts); c.445G>A, p.Val149Ile (NM_001290309.3); c.385G>A, p.Val129Ile (NM_001290310.3); short protein forms V149I, V129I, V252I.
Identifiers: ClinVar variation 944749 (VCV000944749.9), dbSNP rs1760462170, ClinGen allele CA361129937.
Genomic context (GRCh38, chr5:138,824,695, plus strand): 5'-CCTGATGTCGCAGCCTATAAGGCCAACAGGGACCTGATATACAAGCAGCTGCAGCAGGCG[G>A]TCACAGGCATTTCCAATGCAGCCCAGGCCACTGCCTCAGACGATGCCTCACAGCACCAGG-3'
Protein context (NP_001894.2, residues 242-262): DLIYKQLQQA[Val252Ile]TGISNAAQAT